The following is an entry in ClinVar:

ClinVar aggregate classification (germline): Likely benign. Review status: criteria provided, multiple submitters, no conflicts (2 of 4 stars). 4 submissions from 4 submitters: Likely benign (3). 1 of the submissions does not count toward it. Last evaluated 2025-12-30.

Conditions:
SAMD9L-related disorder. Also called: SAMD9L-related disorders; SAMD9L-related condition.
Inborn genetic diseases. Identifiers: MedGen C0950123, MeSH D030342.

Allele frequency attached by ClinVar (database versions not stated): gnomAD 0.00004 and 0.00005; ExAC 0.00006; gnomAD exomes 0.00006 and 0.00011; ESP Exome Variant Server 0.00008; TOPMed 0.00008.
gnomAD v4.1: 164 of 1,613,930 alleles (0.01%); highest among the groups gnomAD compares: Non-Finnish European, 0.013%; no homozygotes.

Submissions (4):

Labcorp Genetics (formerly Invitae), Labcorp
Classification: Likely benign. Last evaluated: 2025-12-30. Review status: criteria provided, single submitter. Criteria: Invitae Variant Classification Sherloc (09022015). Collection method: clinical testing. Allele origin: germline.

Ambry Genetics
Classification: Likely benign for Inborn genetic diseases. Last evaluated: 2024-12-02. Review status: criteria provided, single submitter. Criteria: Ambry Variant Classification Scheme 2023. Collection method: clinical testing. Allele origin: germline.

Blueprint Genetics
Classification: Likely benign. Last evaluated: 2024-04-24. Review status: criteria provided, single submitter. Criteria: ACMG Guidelines, 2015. Collection method: clinical testing. Allele origin: germline.

PreventionGenetics, part of Exact Sciences
Classification: Likely benign for SAMD9L-related condition. Last evaluated: 2021-12-13. Review status: no assertion criteria provided. Collection method: clinical testing. Allele origin: germline. Not counted in ClinVar's aggregate classification.
Comment: This variant is classified as likely benign based on ACMG/AMP sequence variant interpretation guidelines (Richards et al. 2015 PMID: 25741868, with internal and published modifications).

NM_152703.5(SAMD9L):c.627G>A (p.Thr209=)

Gene: SAMD9L (sterile alpha motif domain containing 9 like; minus strand). Cytogenetic location: 7q21.2.
Variant type: single nucleotide variant.
Coding change: c.627G>A on transcript NM_152703.5 (MANE Select); coding-DNA position 627, G replaced by A.
Protein change: p.Thr209=; no amino-acid change (threonine 209 retained).
Molecular consequence: synonymous variant.
Genome position (GRCh38, 1-based): chr7:93,135,345, C>T on the plus strand (G>A on the coding strand, the complement: SAMD9L is on the minus strand). VCF-style: chr7-93135345-C-T. GRCh37 (hg19) VCF-style: chr7-92764658-C-T.
Other names: c.627G>A (NM_152703.3, NM_152703.2); c.627G>A, p.Thr209= (NM_001303496.3, NM_001303497.3, NM_001303498.3 and 5 more transcripts).
Identifiers: ClinVar variation 1145382 (VCV001145382.13), dbSNP rs374490938, ClinGen allele CA4343842.